The following is an entry in ClinVar:

ClinVar aggregate classification (germline): Pathogenic. Review status: criteria provided, multiple submitters, no conflicts (2 of 4 stars). 2 submissions from 2 submitters: Pathogenic (2). Last evaluated 2025-02-19.

Submissions (2):

Labcorp Genetics (formerly Invitae), Labcorp
Classification: Pathogenic. Last evaluated: 2025-02-19. Review status: criteria provided, single submitter. Criteria: Invitae Variant Classification Sherloc (09022015). Collection method: clinical testing. Allele origin: germline.
Comment: This sequence change replaces cysteine, which is neutral and slightly polar, with tyrosine, which is neutral and polar, at codon 181 of the FZD4 protein (p.Cys181Tyr). This variant is not present in population databases (gnomAD no frequency). This missense change has been observed in individual(s) with autosomal dominant familial exudative vitreoretinopathy (PMID: 20008721, 28758032, 30452590). In at least one individual the variant was observed to be de novo. ClinVar contains an entry for this variant (Variation ID: 871654). Invitae Evidence Modeling of protein sequence and biophysical properties (such as structural, functional, and spatial information, amino acid conservation, physicochemical variation, residue mobility, and thermodynamic stability) indicates that this missense variant is expected to disrupt FZD4 protein function with a positive predictive value of 80%. For these reasons, this variant has been classified as Pathogenic.

CeGaT Center for Human Genetics Tuebingen
Classification: Pathogenic. Last evaluated: 2017-08-01. Review status: criteria provided, single submitter. Criteria: CeGaT Center For Human Genetics Tuebingen Variant Classification Criteria Version 2. Collection method: clinical testing. Allele origin: germline. Affected: yes. Observed: 1 variant allele.

Literature cited by the submitters: PubMed 20008721 (cited by Labcorp Genetics (formerly Invitae), Labcorp); PubMed 28758032 (cited by Labcorp Genetics (formerly Invitae), Labcorp); PubMed 30452590 (cited by Labcorp Genetics (formerly Invitae), Labcorp).

NM_012193.4(FZD4):c.542G>A (p.Cys181Tyr)

Genes: FZD4 (frizzled class receptor 4; minus strand), PRSS23 (serine protease 23; plus strand). Cytogenetic location: 11q14.2.
Variant type: single nucleotide variant.
Coding change: c.542G>A on transcript NM_012193.4 (MANE Select); coding-DNA position 542, G replaced by A.
Protein change: p.Cys181Tyr; replaces cysteine 181 with tyrosine.
Molecular consequence: missense variant. On other transcripts: non-coding transcript variant (2).
Genome position (GRCh38, 1-based): chr11:86,952,214, C>T on the plus strand (G>A on the coding strand, the complement: FZD4 is on the minus strand). VCF-style: chr11-86952214-C-T. GRCh37 (hg19) VCF-style: chr11-86663256-C-T.
Other names: short protein forms C181Y.
Identifiers: ClinVar variation 871654 (VCV000871654.42), dbSNP rs1949300253, ClinGen allele CA382015688.